The following is an entry in ClinVar:

ClinVar aggregate classification (germline): Uncertain significance. Review status: criteria provided, multiple submitters, no conflicts (2 of 4 stars). 3 submissions from 3 submitters: Uncertain significance (3). Last evaluated 2024-04-04.

Conditions:
Bethlem myopathy 1A. Also called: Bethlem Muscular Dystrophy; MYOPATHY, BENIGN CONGENITAL, WITH CONTRACTURES; Bethlem myopathy 1. Identifiers: Orphanet 610, MedGen CN029274, MONDO:0024530, OMIM 158810.

Allele frequency attached by ClinVar (database versions not stated): gnomAD 0.00001; gnomAD exomes 0.00001 and below 0.00001; TOPMed 0.00002; 1000 Genomes Project 30x 0.00016.

Submissions (3):

Women's Health and Genetics/Laboratory Corporation of America, LabCorp
Classification: Uncertain significance. Last evaluated: 2024-04-04. Review status: criteria provided, single submitter. Criteria: LabCorp Variant Classification Summary - May 2015. Collection method: clinical testing. Allele origin: germline.
Comment: Variant summary: COL6A3 c.1639G>A (p.Glu547Lys) results in a conservative amino acid change located in the von Willebrand factor, type A domain of the encoded protein sequence. Three of five in-silico tools predict a benign effect of the variant on protein function. The variant allele was found at a frequency of 4e-06 in 251236 control chromosomes. The available data on variant occurrences in the general population are insufficient to allow any conclusion about variant significance. To our knowledge, no occurrence of c.1639G>A in individuals affected with COL6A3-related disorders and no experimental evidence demonstrating its impact on protein function have been reported. ClinVar contains an entry for this variant (Variation ID: 476504). Based on the evidence outlined above, the variant was classified as uncertain significance.

Labcorp Genetics (formerly Invitae), Labcorp
Classification: Uncertain significance for Bethlem myopathy 1A. Last evaluated: 2022-12-15. Review status: criteria provided, single submitter. Criteria: Invitae Variant Classification Sherloc (09022015). Collection method: clinical testing. Allele origin: germline.
Comment: In summary, the available evidence is currently insufficient to determine the role of this variant in disease. Therefore, it has been classified as a Variant of Uncertain Significance. Advanced modeling of protein sequence and biophysical properties (such as structural, functional, and spatial information, amino acid conservation, physicochemical variation, residue mobility, and thermodynamic stability) performed at Invitae indicates that this missense variant is not expected to disrupt COL6A3 protein function. ClinVar contains an entry for this variant (Variation ID: 476504). This variant has not been reported in the literature in individuals affected with COL6A3-related conditions. This variant is present in population databases (no rsID available, gnomAD 0.0009%). This sequence change replaces glutamic acid, which is acidic and polar, with lysine, which is basic and polar, at codon 547 of the COL6A3 protein (p.Glu547Lys).

Revvity Omics, Revvity
Classification: Uncertain significance. Last evaluated: 2020-09-03. Review status: criteria provided, single submitter. Criteria: ACMG Guidelines, 2015. Collection method: clinical testing. Allele origin: germline.

NM_004369.4(COL6A3):c.1639G>A (p.Glu547Lys)

Gene: COL6A3 (collagen type VI alpha 3 chain; minus strand). Cytogenetic location: 2q37.3.
Variant type: single nucleotide variant.
Coding change: c.1639G>A on transcript NM_004369.4 (MANE Select); coding-DNA position 1639, G replaced by A.
Protein change: p.Glu547Lys; replaces glutamic acid 547 with lysine.
Molecular consequence: missense variant.
Genome position (GRCh38, 1-based): chr2:237,381,173, C>T on the plus strand (G>A on the coding strand, the complement: COL6A3 is on the minus strand). VCF-style: chr2-237381173-C-T. GRCh37 (hg19) VCF-style: chr2-238289816-C-T.
Other names: c.418G>A, p.Glu140Lys (NM_057164.5, NM_057166.5); c.1021G>A, p.Glu341Lys (NM_057165.5, NM_057167.4); short protein forms E547K, E140K, E341K.
Identifiers: ClinVar variation 476504 (VCV000476504.12), dbSNP rs1278327904, ClinGen allele CA351217357.
Genomic context (GRCh38, chr2:237,381,173, plus strand): 5'-GGCTGATTTCATCTAGGGACTTACCACCTGTGATCAGCACCAAAAGCTTAGGAATCCCCT[C>T]GGCAGCCCGGTAGCCGGCTGAACTCGTGAATAGGTTGTTACGAACAAAGTCTAGAGCAGA-3'
Protein context (NP_004360.2, residues 537-557): FTSSAGYRAA[Glu547Lys]GIPKLLVLIT